The following is an entry in ClinVar:

NM_001039141.3(TRIOBP):c.5193G>C (p.Lys1731Asn)

Gene: TRIOBP (TRIO and F-actin binding protein; plus strand). Cytogenetic location: 22q13.1.
Variant type: single nucleotide variant.
Coding change: c.5193G>C on transcript NM_001039141.3 (MANE Select); coding-DNA position 5193, G replaced by C.
Protein change: p.Lys1731Asn; replaces lysine 1731 with asparagine.
Molecular consequence: missense variant.
Genome position (GRCh38, 1-based): chr22:37,740,903, G>C. VCF-style: chr22-37740903-G-C. GRCh37 (hg19) VCF-style: chr22-38136910-G-C.
Other names: short protein forms K1731N.
Identifiers: ClinVar variation 930171 (VCV000930171.4), dbSNP rs1207596715, ClinGen allele CA411502303.

ClinVar aggregate classification (germline): Uncertain significance (1 of 4 stars; one submission).

Allele frequency attached by ClinVar (database versions not stated): TOPMed below 0.00001.
gnomAD v4.1: 2 of 1,573,446 alleles (0.00013%); highest among the groups gnomAD compares: Non-Finnish European, 0.00017%; no homozygotes.

Submission:

Laboratory for Molecular Medicine, Mass General Brigham Personalized Medicine
Classification: Uncertain significance. Last evaluated: 2019-04-26. Review status: criteria provided, single submitter. Criteria: LMM Criteria. Collection method: clinical testing. Allele origin: germline. Observed: 1 variant allele.
Comment: Variant classified as Uncertain Significance - Favor Benign. The p.Lys1731Asn variant in TRIOBP has not been previously reported in individuals with hearing loss and was absent from large population studies. It is not conserved, with four mammals (star-nosed mole, opossum, Tasmanian devil, and wallaby) carry asparagine (Asn). However, nearby amino acids are not conserved. Computational prediction tools and conservation analysis suggest that this variant may not impact the protein, though this information is not predictive enough to rule out pathogenicity. In summary, while the clinical significance of this variant is uncertain, the conservation and computational prediction data suggest that it is more likely to be benign. ACMG/AMP Criteria applied: PM2, BP4.